The following is an entry in ClinVar:

NM_001127222.2(CACNA1A):c.984C>T (p.Asn328=)

Genes: CACNA1A (calcium voltage-gated channel subunit alpha1 A; minus strand), LOC126862866 (MED14-independent group 3 enhancer GRCh37_chr19:13445719-13446918; plus strand). Cytogenetic location: 19p13.13.
Variant type: single nucleotide variant.
Coding change: c.984C>T on transcript NM_001127222.2 (MANE Select); coding-DNA position 984, C replaced by T.
Protein change: p.Asn328=; no amino-acid change (asparagine 328 retained).
Molecular consequence: synonymous variant.
Genome position (GRCh38, 1-based): chr19:13,335,904, G>A on the plus strand (C>T on the coding strand, the complement: CACNA1A is on the minus strand). VCF-style: chr19-13335904-G-A. GRCh37 (hg19) VCF-style: chr19-13446718-G-A.
Other names: c.984C>T, p.Asn328= (NM_000068.4, NM_001127221.2, NM_001174080.2 and 1 more transcripts); c.984C>T (NM_001127222.1).
Identifiers: ClinVar variation 1085448 (VCV001085448.32), dbSNP rs772301380, ClinGen allele CA9240928.
Genomic context (GRCh38, chr19:13,335,904, plus strand): 5'-GGAGCCGATGATGATGAGGGGGATGAAGTACAACCAGTTCCAAGTGTTCCCTGAGGCATC[G>A]TTGCTCTGTAGGGTGTGAGGAGGGAAAGCAGGTGAGAGTTGACTGGGACTCAGATAGAAC-3'
Protein context (NP_001120694.1, residues 318-338): EGWTDLLYNS[Asn328=]DASGNTWNWL

ClinVar aggregate classification (germline): Likely benign. Review status: criteria provided, multiple submitters, no conflicts (2 of 4 stars). 3 submissions from 3 submitters: Likely benign (3). Last evaluated 2026-01-21.

Conditions:
CACNA1A-related disorder. Also called: CACNA1A-related condition.
Episodic ataxia type 2 (EA2). Also called: CEREBELLOPATHY, HEREDITARY PAROXYSMAL; ACETAZOLAMIDE-RESPONSIVE HEREDITARY PAROXYSMAL CEREBELLAR ATAXIA; ATAXIA, EPISODIC, WITH NYSTAGMUS; ATAXIA, FAMILIAL PAROXYSMAL; CEREBELLAR ATAXIA, PAROXYSMAL, ACETAZOLAMIDE-RESPONSIVE; EPISODIC ATAXIA, NYSTAGMUS-ASSOCIATED. Identifiers: Orphanet 97, MedGen C1720416, MONDO:0007163, OMIM 108500.
Developmental and epileptic encephalopathy, 42 (DEE42A). Also called: DEVELOPMENTAL AND EPILEPTIC ENCEPHALOPATHY 42A; EPILEPTIC ENCEPHALOPATHY, EARLY INFANTILE, 42A; Epileptic encephalopathy, early infantile, 42. Identifiers: MedGen C4310716, MONDO:0014917, OMIM 617106.

Allele frequency attached by ClinVar (database versions not stated): ExAC 0.00002; gnomAD exomes 0.00002 and 0.00004; TOPMed 0.00003; gnomAD 0.00004.
gnomAD v4.1: 35 of 1,595,566 alleles (0.0022%); highest among the groups gnomAD compares: East Asian, 0.036%; no homozygotes.

Submissions (3):

Labcorp Genetics (formerly Invitae), Labcorp
Classification: Likely benign for Developmental and epileptic encephalopathy, 42; Episodic ataxia type 2. Last evaluated: 2026-01-21. Review status: criteria provided, single submitter. Criteria: Invitae Variant Classification Sherloc (09022015). Collection method: clinical testing. Allele origin: germline.

PreventionGenetics, part of Exact Sciences
Classification: Likely benign for CACNA1A-related condition. Last evaluated: 2025-10-30. Review status: criteria provided, single submitter. Criteria: ACMG Guidelines, 2015. Collection method: clinical testing. Allele origin: germline.
Comment: This variant is classified as likely benign based on ACMG/AMP sequence variant interpretation guidelines (Richards et al. 2015 PMID: 25741868, with internal and published modifications).

CeGaT Center for Human Genetics Tuebingen
Classification: Likely benign. Last evaluated: 2025-03-01. Review status: criteria provided, single submitter. Criteria: CeGaT Center For Human Genetics Tuebingen Variant Classification Criteria Version 2. Collection method: clinical testing. Allele origin: germline. Affected: yes. Observed: 2 variant alleles.
Comment: CACNA1A: BP4, BP7